The following is an entry in ClinVar:

ClinVar aggregate classification (germline): Likely benign (1 of 4 stars; one submission).

Conditions:
Woodhouse-Sakati syndrome. Also called: Hypogonadism, Alopecia, Diabetes Mellitus, Mental Retardation, and Extrapyramidal Syndrome; Hypogonadism, diabetes mellitus, alopecia, mental retardation and electrocardiographic abnormalities; EXTRAPYRAMIDAL DISORDER, PROGRESSIVE, WITH PRIMARY HYPOGONADISM, MENTAL RETARDATION, AND ALOPECIA. Identifiers: Orphanet 3464, MedGen C0342286, MONDO:0009419, OMIM 241080.

Allele frequency attached by ClinVar (database versions not stated): gnomAD exomes 0.00167 and 0.00194; gnomAD 0.00003 and 0.00042; TOPMed 0.00011; 1000 Genomes Project 0.00459; ExAC 0.00623; 1000 Genomes Project 30x 0.00531.
gnomAD v4.1: 640 of 453,998 alleles (0.14%); highest among the groups gnomAD compares: South Asian, 0.95%; 7 homozygotes.

Submission:

Illumina Laboratory Services, Illumina
Classification: Likely benign for Woodhouse-Sakati syndrome. Last evaluated: 2018-01-12. Review status: criteria provided, single submitter. Criteria: ICSL Variant Classification Criteria 13 December 2019. Collection method: clinical testing. Allele origin: germline.
Comment: This variant was observed in the ICSL laboratory as part of a predisposition screen in an ostensibly healthy population. It had not been previously curated by ICSL or reported in the Human Gene Mutation Database (HGMD: prior to June 1st, 2018), and was therefore a candidate for classification through an automated scoring system. Utilizing variant allele frequency, disease prevalence and penetrance estimates, and inheritance mode, an automated score was calculated to assess if this variant is too frequent to cause the disease. Based on the score and internal cut-off values, a variant classified as likely benign is not then subjected to further curation. The score for this variant resulted in a classification of likely benign for this disease.

NM_025000.4(DCAF17):c.*3705A>G

Gene: DCAF17 (DDB1 and CUL4 associated factor 17; plus strand). Cytogenetic location: 2q31.1.
Variant type: single nucleotide variant.
Coding change: c.*3705A>G on transcript NM_025000.4 (MANE Select); 3705 bases downstream of the stop codon, A replaced by G.
Molecular consequence: 3 prime UTR variant. On other transcripts: non-coding transcript variant (1).
Genome position (GRCh38, 1-based): chr2:171,484,819, A>G. VCF-style: chr2-171484819-A-G. GRCh37 (hg19) VCF-style: chr2-172341329-A-G.
Other names: c.*3705A>G (NM_001164821.2).
Identifiers: ClinVar variation 332314 (VCV000332314.5), dbSNP rs577520268, ClinGen allele CA1965165.